The following is an entry in ClinVar:

NM_003051.4(SLC16A1):c.703G>A (p.Gly235Arg)

Gene: SLC16A1 (solute carrier family 16 member 1; minus strand). Cytogenetic location: 1p13.2.
Variant type: single nucleotide variant.
Coding change: c.703G>A on transcript NM_003051.4 (MANE Select); coding-DNA position 703, G replaced by A.
Protein change: p.Gly235Arg; replaces glycine 235 with arginine.
Molecular consequence: missense variant.
Genome position (GRCh38, 1-based): chr1:112,917,703, C>T on the plus strand (G>A on the coding strand, the complement: SLC16A1 is on the minus strand). VCF-style: chr1-112917703-C-T. GRCh37 (hg19) VCF-style: chr1-113460325-C-T.
Other names: c.703G>A, p.Gly235Arg (NM_001166496.2); short protein forms G235R.
Identifiers: ClinVar variation 3067437 (VCV003067437.21), dbSNP rs539153097, ClinGen allele CA341828404.

ClinVar aggregate classification (germline): Uncertain significance (1 of 4 stars; one submission).

gnomAD v4.1: 1 of 1,614,200 alleles (0.000062%); highest among the groups gnomAD compares: Middle Eastern, 0.016%; no homozygotes.

Submission:

CeGaT Center for Human Genetics Tuebingen
Classification: Uncertain significance. Last evaluated: 2024-03-01. Review status: criteria provided, single submitter. Criteria: CeGaT Center For Human Genetics Tuebingen Variant Classification Criteria Version 2. Collection method: clinical testing. Allele origin: germline. Affected: yes. Observed: 1 variant allele.
Comment: SLC16A1: PM2, BP4